The following is an entry in ClinVar:

ClinVar aggregate classification (germline): Uncertain significance (1 of 4 stars; one submission).

Allele frequency attached by ClinVar (database versions not stated): gnomAD exomes 0.00001; TOPMed 0.00001.
gnomAD v4.1: 7 of 1,569,262 alleles (0.00045%); highest among the groups gnomAD compares: Non-Finnish European, 0.0006%; no homozygotes.

Submission:

Labcorp Genetics (formerly Invitae), Labcorp
Classification: Uncertain significance. Last evaluated: 2022-08-21. Review status: criteria provided, single submitter. Criteria: Invitae Variant Classification Sherloc (09022015). Collection method: clinical testing. Allele origin: germline.
Comment: This sequence change replaces proline, which is neutral and non-polar, with serine, which is neutral and polar, at codon 120 of the COQ2 protein (p.Pro120Ser). The frequency data for this variant in the population databases is considered unreliable, as metrics indicate poor data quality at this position in the gnomAD database. This variant has not been reported in the literature in individuals affected with COQ2-related conditions. Algorithms developed to predict the effect of missense changes on protein structure and function (SIFT, PolyPhen-2, Align-GVGD) all suggest that this variant is likely to be tolerated. In summary, the available evidence is currently insufficient to determine the role of this variant in disease. Therefore, it has been classified as a Variant of Uncertain Significance.

NM_001358921.2(COQ2):c.208C>T (p.Pro70Ser)

Genes: COQ2 (coenzyme Q2, polyprenyltransferase; minus strand), LOC112997540 (Sharpr-MPRA regulatory region 13773; plus strand). Cytogenetic location: 4q21.23.
Variant type: single nucleotide variant.
Coding change: c.208C>T on transcript NM_001358921.2 (MANE Select); coding-DNA position 208, C replaced by T.
Protein change: p.Pro70Ser; replaces proline 70 with serine.
Molecular consequence: missense variant.
Genome position (GRCh38, 1-based): chr4:83,284,557, G>A on the plus strand (C>T on the coding strand, the complement: COQ2 is on the minus strand). VCF-style: chr4-83284557-G-A. GRCh37 (hg19) VCF-style: chr4-84205710-G-A.
Other names: c.358C>T, p.Pro120Ser (NM_015697.9); short protein forms P120S, P70S.
Identifiers: ClinVar variation 2146523 (VCV002146523.4), dbSNP rs1193369117, ClinGen allele CA357230865.